The following is an entry in ClinVar:

NM_015378.4(VPS13D):c.8458A>G (p.Met2820Val)

Gene: VPS13D (vacuolar protein sorting 13 homolog D; plus strand). Cytogenetic location: 1p36.22.
Variant type: single nucleotide variant.
Coding change: c.8458A>G on transcript NM_015378.4 (MANE Select); coding-DNA position 8458, A replaced by G.
Protein change: p.Met2820Val; replaces methionine 2820 with valine.
Molecular consequence: missense variant.
Genome position (GRCh38, 1-based): chr1:12,335,734, A>G. VCF-style: chr1-12335734-A-G. GRCh37 (hg19) VCF-style: chr1-12395791-A-G.
Other names: c.8458A>G, p.Met2820Val (NM_018156.4); c.8458A>G (NM_015378.2); short protein forms M2820V.
Identifiers: ClinVar variation 1304678 (VCV001304678.6), dbSNP rs141217404, ClinGen allele CA603126.

ClinVar aggregate classification (germline): Uncertain significance. Review status: criteria provided, multiple submitters, no conflicts (2 of 4 stars). 5 submissions from 5 submitters: Uncertain significance (5). Last evaluated 2026-07-01.

Conditions:
Inborn genetic diseases. Identifiers: MedGen C0950123, MeSH D030342.

Allele frequency attached by ClinVar (database versions not stated): ExAC 0.00002; gnomAD 0.00002 and 0.00003; gnomAD exomes 0.00003; TOPMed 0.00005; ESP Exome Variant Server 0.00008.
gnomAD v4.1: 53 of 1,613,946 alleles (0.0033%); highest among the groups gnomAD compares: Middle Eastern, 0.049%; no homozygotes.

Submissions (5):

CeGaT Center for Human Genetics Tuebingen
Classification: Uncertain significance. Last evaluated: 2026-07-01. Review status: criteria provided, single submitter. Criteria: CeGaT Center For Human Genetics Tuebingen Variant Classification Criteria Version 2. Collection method: clinical testing. Allele origin: germline. Affected: yes. Observed: 1 variant allele.
Comment: VPS13D: PM2, BP4

Labcorp Genetics (formerly Invitae), Labcorp
Classification: Uncertain significance. Last evaluated: 2025-12-15. Review status: criteria provided, single submitter. Criteria: Invitae Variant Classification Sherloc (09022015). Collection method: clinical testing. Allele origin: germline.
Comment: This sequence change replaces methionine, which is neutral and non-polar, with valine, which is neutral and non-polar, at codon 2820 of the VPS13D protein (p.Met2820Val). This variant is present in population databases (rs141217404, gnomAD 0.006%). This variant has not been reported in the literature in individuals affected with VPS13D-related conditions. ClinVar contains an entry for this variant (Variation ID: 1304678). Invitae Evidence Modeling of protein sequence and biophysical properties (such as structural, functional, and spatial information, amino acid conservation, physicochemical variation, residue mobility, and thermodynamic stability) indicates that this missense variant is not expected to disrupt VPS13D protein function with a negative predictive value of 80%. Algorithms developed to predict the effect of sequence changes on RNA splicing suggest that this variant may disrupt the consensus splice site. In summary, the available evidence is currently insufficient to determine the role of this variant in disease. Therefore, it has been classified as a Variant of Uncertain Significance.

Ambry Genetics
Classification: Uncertain significance for Inborn genetic diseases. Last evaluated: 2025-11-23. Review status: criteria provided, single submitter. Criteria: Ambry Variant Classification Scheme 2023. Collection method: clinical testing. Allele origin: germline.

GeneDx
Classification: Uncertain significance. Last evaluated: 2019-10-17. Review status: criteria provided, single submitter. Criteria: GeneDx Variant Classification Process June 2021. Collection method: clinical testing. Allele origin: germline. Affected: yes.
Comment: In silico analysis, which includes protein predictors and evolutionary conservation, supports that this variant does not alter protein structure/function; Has not been previously published as pathogenic or benign to our knowledge

Breakthrough Genomics
Classification: Uncertain significance. Review status: criteria provided, single submitter. Criteria: ACMG Guidelines, 2015. Collection method: not provided. Allele origin: germline. Inheritance: Autosomal recessive inheritance. Affected: yes.